The following is an entry in ClinVar:

NM_000138.5(FBN1):c.1516A>T (p.Asn506Tyr)

Gene: FBN1 (fibrillin 1; minus strand). Cytogenetic location: 15q21.1.
Variant type: single nucleotide variant.
Coding change: c.1516A>T on transcript NM_000138.5 (MANE Select); coding-DNA position 1516, A replaced by T.
Protein change: p.Asn506Tyr; replaces asparagine 506 with tyrosine.
Molecular consequence: missense variant.
Genome position (GRCh38, 1-based): chr15:48,513,621, T>A on the plus strand (A>T on the coding strand, the complement: FBN1 is on the minus strand). VCF-style: chr15-48513621-T-A. GRCh37 (hg19) VCF-style: chr15-48805818-T-A.
Other names: short protein forms N506Y.
Identifiers: ClinVar variation 1201302 (VCV001201302.5), dbSNP rs2141327814, ClinGen allele CA392342564.

ClinVar aggregate classification (germline): Conflicting classifications of pathogenicity. Review status: criteria provided, conflicting classifications (1 of 4 stars). 3 submissions from 3 submitters: Likely pathogenic (1); Uncertain significance (2). Last evaluated 2025-09-25.

Conditions:
Thoracic aortic aneurysm or dissection.

Allele frequency attached by ClinVar (database versions not stated): gnomAD exomes below 0.00001.
gnomAD v4.1: 2 of 1,614,036 alleles (0.00012%); highest among the groups gnomAD compares: Non-Finnish European, 0.00017%; no homozygotes.

Submissions (3):

NHS Central & South Genomic Laboratory Hub
Classification: Uncertain significance for Thoracic aortic aneurysm or dissection. Last evaluated: 2025-09-25. Review status: criteria provided, single submitter. Criteria: ACMG Guidelines, 2015. Collection method: clinical testing. Allele origin: germline. Affected: yes.

Blueprint Genetics
Classification: Uncertain significance. Last evaluated: 2024-03-12. Review status: criteria provided, single submitter. Criteria: ACMG Guidelines, 2015. Collection method: clinical testing. Allele origin: germline.

GeneDx
Classification: Likely pathogenic. Last evaluated: 2019-05-17. Review status: criteria provided, single submitter. Criteria: GeneDx Variant Classification Process June 2021. Collection method: clinical testing. Allele origin: germline. Affected: yes.
Comment: Has not been previously published as pathogenic or benign to our knowledge; Not observed in large population cohorts (Lek et al., 2016); In silico analysis, which includes protein predictors and evolutionary conservation, supports a deleterious effect